The following is an entry in ClinVar:

ClinVar aggregate classification (germline): Uncertain significance (1 of 4 stars; one submission).

Submission:

Ambry Genetics
Classification: Uncertain significance. Last evaluated: 2025-10-02. Review status: criteria provided, single submitter. Criteria: Ambry Variant Classification Scheme 2023. Collection method: clinical testing. Allele origin: germline.
Comment: The p.R54S variant (also known as c.160C>A), located in coding exon 2 of the GFI1 gene, results from a C to A substitution at nucleotide position 160. The arginine at codon 54 is replaced by serine, an amino acid with dissimilar properties. This amino acid position is conserved. In addition, this alteration is predicted to be tolerated by in silico analysis. Based on the available evidence, the clinical significance of this variant remains unclear.

NM_005263.5(GFI1):c.160C>A (p.Arg54Ser)

Gene: GFI1 (growth factor independent 1 transcriptional repressor; minus strand). Cytogenetic location: 1p22.1.
Variant type: single nucleotide variant.
Coding change: c.160C>A on transcript NM_005263.5 (MANE Select); coding-DNA position 160, C replaced by A.
Protein change: p.Arg54Ser; replaces arginine 54 with serine.
Molecular consequence: missense variant.
Genome position (GRCh38, 1-based): chr1:92,483,002, G>T on the plus strand (C>A on the coding strand, the complement: GFI1 is on the minus strand). VCF-style: chr1-92483002-G-T. GRCh37 (hg19) VCF-style: chr1-92948559-G-T.
Other names: c.160C>A, p.Arg54Ser (NM_001127215.3, NM_001127216.3); short protein forms R54S.
Identifiers: ClinVar variation 4671564 (VCV004671564.1).